The following is an entry in ClinVar:

NM_000059.4(BRCA2):c.5920A>T (p.Thr1974Ser)

Gene: BRCA2 (BRCA2 DNA repair associated; plus strand). Cytogenetic location: 13q13.1.
Variant type: single nucleotide variant.
Coding change: c.5920A>T on transcript NM_000059.4 (MANE Select); coding-DNA position 5920, A replaced by T.
Protein change: p.Thr1974Ser; replaces threonine 1974 with serine.
Molecular consequence: missense variant. On other transcripts: non-coding transcript variant (1), intron variant (2).
Genome position (GRCh38, 1-based): chr13:32,340,275, A>T. VCF-style: chr13-32340275-A-T. GRCh37 (hg19) VCF-style: chr13-32914412-A-T.
Other names: c.5920A>T, p.Thr1974Ser (NM_001406719.1, NM_001406720.1); c.1910-4283A>T (NM_001406721.1); c.425-4283A>T (NM_001406722.1); short protein forms T1974S.
Identifiers: ClinVar variation 3227697 (VCV003227697.1), dbSNP rs2137522308, ClinGen allele CA387787532.

ClinVar aggregate classification (germline): Uncertain significance (1 of 4 stars; one submission).

Conditions:
Hereditary cancer-predisposing syndrome. Also called: Neoplastic Syndromes, Hereditary; Tumor predisposition; Hereditary neoplastic syndrome; Hereditary Cancer Syndrome. Identifiers: Orphanet 140162, MedGen C0027672, MeSH D009386, MONDO:0015356.

Submission:

Ambry Genetics
Classification: Uncertain significance for Hereditary cancer-predisposing syndrome. Last evaluated: 2023-11-16. Review status: criteria provided, single submitter. Criteria: Ambry Variant Classification Scheme 2023. Collection method: clinical testing. Allele origin: germline.
Comment: The p.T1974S variant (also known as c.5920A>T), located in coding exon 10 of the BRCA2 gene, results from an A to T substitution at nucleotide position 5920. The threonine at codon 1974 is replaced by serine, an amino acid with similar properties. This amino acid position is conserved. In addition, this alteration is predicted to be tolerated by in silico analysis. Since supporting evidence is limited at this time, the clinical significance of this alteration remains unclear.